The following is an entry in ClinVar:

ClinVar aggregate classification (germline): Conflicting classifications of pathogenicity. Review status: criteria provided, conflicting classifications (1 of 4 stars). 2 submissions from 2 submitters: Likely pathogenic (1); Uncertain significance (1).

Conditions:
Muscular dystrophy-dystroglycanopathy (congenital with brain and eye anomalies), type A, 4 (MDDGA4). Also called: Congenital muscular dystrophy-dystroglycanopathy with brain and eye anomalies, type A4; WALKER-WARBURG SYNDROME OR MUSCLE-EYE-BRAIN DISEASE, FKTN-RELATED; Muscular dystrophy, congenital progressive, with mental retardation; Muscular dystrophy, congenital, with central nervous system involvement; Cerebromuscular dystrophy, Fukuyama type; Walker-Warburg Syndrome, Fktn-Related. Identifiers: Orphanet 272, Orphanet 588, Orphanet 899, MedGen C0410174, MONDO:0009678, OMIM 253800.
Autosomal recessive limb-girdle muscular dystrophy type 2M. Also called: MUSCULAR DYSTROPHY, LIMB-GIRDLE, TYPE 2M; MUSCULAR DYSTROPHY-DYSTROGLYCANOPATHY (LIMB-GIRDLE), TYPE C, 4. Identifiers: Orphanet 206554, MedGen C1969040, MONDO:0012699, OMIM 611588.

Submissions (2):

Kasturba Medical College, Manipal, Kasturba Medical College, Manipal, Manipal Academy of Higher Education, Manipal, India
Classification: Likely pathogenic for Muscular dystrophy-dystroglycanopathy (congenital with brain and eye anomalies), type A, 4. Review status: criteria provided, single submitter. Criteria: ACMG Guidelines, 2015. Collection method: research. Allele origin: inherited. Affected: yes.

Neuberg Centre For Genomic Medicine, NCGM
Classification: Uncertain significance for Autosomal recessive limb-girdle muscular dystrophy type 2M. Review status: criteria provided, single submitter. Criteria: ACMG Guidelines, 2015. Collection method: clinical testing. Allele origin: germline. Inheritance: Autosomal recessive inheritance. Affected: yes.
Comment: The splice region variant c.165+5G>A in FKTN (NM_001079802.2) has been reported to ClinVar as Likely Pathogenic but no details are available for independent assessment. The c.165+5G>A variant is novel (not in any individuals) in gnomAD Exomes and is novel (not in any individuals) in 1000 Genomes. The nucleotide c.165+5G>A in FKTN is predicted conserved by GERP++ and PhyloP across 100 vertebrates. For these reasons, this variant has been classified as Uncertain Significance (VUS).

NM_001079802.2(FKTN):c.165+5G>A

Gene: FKTN (fukutin; plus strand). Cytogenetic location: 9q31.2.
Variant type: single nucleotide variant.
Coding change: c.165+5G>A on transcript NM_001079802.2 (MANE Select); 5 bases into the intron after coding-DNA position 165, G replaced by A.
Molecular consequence: intron variant.
Genome position (GRCh38, 1-based): chr9:105,596,662, G>A. VCF-style: chr9-105596662-G-A. GRCh37 (hg19) VCF-style: chr9-108358943-G-A.
Other names: c.165+5G>A (NM_001351498.2, NM_006731.2, NM_001351496.2 and 1 more transcripts); c.-350+5G>A (NM_001351502.2, NM_001351499.2, NM_001351500.2 and 1 more transcripts); c.-3+5G>A (NM_001351497.2).
Identifiers: ClinVar variation 1332808 (VCV001332808.2), dbSNP rs2132596368, ClinGen allele CA2573053078.